The following is an entry in ClinVar:

Conditions:
Long QT syndrome 5 (LQT5). Identifiers: Orphanet 101016, Orphanet 768, MedGen C1867904, MONDO:0013372, OMIM 613695.

Submission:

Roden Lab, Vanderbilt University Medical Center
No classification provided (evidence only). Condition: Long QT syndrome 5. Review status: no classification provided. Collection method: in vitro. Allele origin: not applicable. Functional consequence: Effect on ion channel function.
ClinVar note: "not provided" was previously submitted as the classification for the variant. However, the classification appeared to be based only on an observation of functional data so it was converted to no classification on 2025-07-30.

NM_000219.6(KCNE1):c.263A>C (p.Gln88Pro)

Gene: KCNE1 (potassium voltage-gated channel subfamily E regulatory subunit 1; minus strand). Cytogenetic location: 21q22.12.
Variant type: single nucleotide variant.
Coding change: c.263A>C on transcript NM_000219.6 (MANE Select); coding-DNA position 263, A replaced by C.
Protein change: p.Gln88Pro; replaces glutamine 88 with proline.
Molecular consequence: missense variant.
Genome position (GRCh38, 1-based): chr21:34,449,372, T>G on the plus strand (A>C on the coding strand, the complement: KCNE1 is on the minus strand). VCF-style: chr21-34449372-T-G. GRCh37 (hg19) VCF-style: chr21-35821670-T-G.
Other names: c.263A>C, p.Gln88Pro (NM_001127668.4, NM_001127669.4, NM_001127670.4 and 4 more transcripts); short protein forms Q88P.
Identifiers: ClinVar variation 3374474 (VCV003374474.2).
Genomic context (GRCh38, chr21:34,449,372, plus strand): 5'-ACATAGCACGACCTGTAGCTCTCCAGGACCCGGGCCTGGACATAGGCCTTGTCCTTCTCT[T>G]GCCAGGCATCGGACTCGATGTAGACGTTGAATGGGTCGTTCGAGTGCTCCAGCTTCTTGG-3'
Protein context (NP_000210.2, residues 78-98): FNVYIESDAW[Gln88Pro]EKDKAYVQAR